The following is an entry in ClinVar:

NM_001145678.3(KIAA0825):c.32del (p.Ser11fs)

Gene: KIAA0825 (KIAA0825; minus strand). Cytogenetic location: 5q15.
Variant type: Deletion.
Coding change: c.32del on transcript NM_001145678.3 (MANE Select); coding-DNA position 32, one base deleted (C; older notation c.32delC).
Protein change: p.Ser11fs; shifts the reading frame from serine 11.
Molecular consequence: frameshift variant. On other transcripts: 5 prime UTR variant (1), non-coding transcript variant (4).
Genome position (GRCh38, 1-based): chr5:94,537,095, G deleted on the plus strand (C on the coding strand, the reverse complement: KIAA0825 is on the minus strand). VCF-style (leftmost placement, unchanged base first): chr5-94537094-AG-A. GRCh37 (hg19) VCF-style: chr5-93872799-AG-A.
Other names: c.32del, p.Ser11fs (NM_001385712.1, NM_001385713.1, NM_001385714.1 and 13 more transcripts); c.-214del (NM_001385724.1); short protein forms S11fs.
Identifiers: ClinVar variation 3764260 (VCV003764260.1).

ClinVar aggregate classification (germline): Uncertain significance (1 of 4 stars; one submission).

Submission:

GeneDx
Classification: Uncertain significance. Last evaluated: 2024-08-22. Review status: criteria provided, single submitter. Criteria: GeneDx Variant Classification Process June 2021. Collection method: clinical testing. Allele origin: germline. Affected: yes.
Comment: Frameshift variant predicted to result in protein truncation or nonsense mediated decay in a gene or region of a gene for which loss of function is not a well-established mechanism of disease; Has not been previously published as pathogenic or benign to our knowledge